The following is an entry in ClinVar:

NM_015662.3(IFT172):c.3321T>C (p.Leu1107=)

Gene: IFT172 (intraflagellar transport 172; minus strand). Cytogenetic location: 2p23.3.
Variant type: single nucleotide variant.
Coding change: c.3321T>C on transcript NM_015662.3 (MANE Select); coding-DNA position 3321, T replaced by C.
Protein change: p.Leu1107=; no amino-acid change (leucine 1107 retained).
Molecular consequence: synonymous variant.
Genome position (GRCh38, 1-based): chr2:27,456,561, A>G on the plus strand (T>C on the coding strand, the complement: IFT172 is on the minus strand). VCF-style: chr2-27456561-A-G. GRCh37 (hg19) VCF-style: chr2-27679428-A-G.
Other names: c.3255T>C, p.Leu1085= (NM_001410739.1).
Identifiers: ClinVar variation 4994070 (VCV004994070.1).
Genomic context (GRCh38, chr2:27,456,561, plus strand): 5'-GGGGCCTCACCAATTGTCTGCAGCGTGGTCAACAGCAGCTTCCAGGAGTCCCAGCTTATT[A>G]AGCAGTCTAACTGCAGCCTCTCCTCCCAGGCTCTTTGCCCACAGATAGGCCACGTGTTTG-3'
Protein context (NP_056477.1, residues 1097-1117): SLGGEAAVRL[Leu1107=]NKLGLLEAAV

ClinVar aggregate classification (germline): Likely benign (1 of 4 stars; one submission).

Conditions:
IFT172-related disorder. Also called: IFT172-related condition; IFT172-related disorders.

Submission:

PreventionGenetics, part of Exact Sciences
Classification: Likely benign for IFT172-related condition. Last evaluated: 2026-01-21. Review status: criteria provided, single submitter. Criteria: ACMG Guidelines, 2015. Collection method: clinical testing. Allele origin: germline.
Comment: This variant is classified as likely benign based on ACMG/AMP sequence variant interpretation guidelines (Richards et al. 2015 PMID: 25741868, with internal and published modifications).